The following is an entry in ClinVar:

NM_000179.3(MSH6):c.11A>G (p.Gln4Arg)

Gene: MSH6 (mutS homolog 6; plus strand). Cytogenetic location: 2p16.3.
Variant type: single nucleotide variant.
Coding change: c.11A>G on transcript NM_000179.3 (MANE Select); coding-DNA position 11, A replaced by G.
Protein change: p.Gln4Arg; replaces glutamine 4 with arginine.
Molecular consequence: missense variant. On other transcripts: 5 prime UTR variant (1).
Genome position (GRCh38, 1-based): chr2:47,783,244, A>G. VCF-style: chr2-47783244-A-G. GRCh37 (hg19) VCF-style: chr2-48010383-A-G.
Other names: c.11A>G, p.Gln4Arg (NM_001281492.2); c.-726A>G (NM_001281493.2); short protein forms Q4R.
Identifiers: ClinVar variation 664271 (VCV000664271.12), dbSNP rs1572697725, ClinGen allele CA346734477.

ClinVar aggregate classification (germline): Uncertain significance. Review status: criteria provided, multiple submitters, no conflicts (2 of 4 stars). 4 submissions from 4 submitters: Uncertain significance (4). Last evaluated 2025-09-10.

Conditions:
Hereditary cancer-predisposing syndrome. Also called: Tumor predisposition; Hereditary neoplastic syndrome; Neoplastic Syndromes, Hereditary; Hereditary Cancer Syndrome. Identifiers: Orphanet 140162, MedGen C0027672, MeSH D009386, MONDO:0015356.
Hereditary nonpolyposis colorectal neoplasms. Identifiers: MedGen C0009405, MeSH D003123.
Lynch syndrome 5 (LYNCH5). Also called: Hereditary non-polyposis colorectal cancer, type 5; Colorectal cancer, hereditary nonpolyposis, type 5. Identifiers: Orphanet 144, MedGen C1833477, MONDO:0013710, OMIM 614350. Disease mechanism: loss of function.

Allele frequency attached by ClinVar (database versions not stated): gnomAD exomes below 0.00001; gnomAD 0.00001; TOPMed 0.00001.
gnomAD v4.1: 5 of 1,611,486 alleles (0.00031%); highest among the groups gnomAD compares: African/African-American, 0.004%; no homozygotes.

Submissions (4):

Genomic Medicine Center of Excellence, King Faisal Specialist Hospital and Research Centre
Classification: Uncertain significance for Lynch syndrome 5. Last evaluated: 2025-09-10. Review status: criteria provided, single submitter. Criteria: ACMG Guidelines, 2015. Collection method: clinical testing. Allele origin: germline.

Labcorp Genetics (formerly Invitae), Labcorp
Classification: Uncertain significance for Hereditary nonpolyposis colorectal neoplasms. Last evaluated: 2025-06-10. Review status: criteria provided, single submitter. Criteria: Invitae Variant Classification Sherloc (09022015). Collection method: clinical testing. Allele origin: germline.
Comment: This sequence change replaces glutamine, which is neutral and polar, with arginine, which is basic and polar, at codon 4 of the MSH6 protein (p.Gln4Arg). This variant is not present in population databases (gnomAD no frequency). This variant has not been reported in the literature in individuals affected with MSH6-related conditions. ClinVar contains an entry for this variant (Variation ID: 664271). Invitae Evidence Modeling of protein sequence and biophysical properties (such as structural, functional, and spatial information, amino acid conservation, physicochemical variation, residue mobility, and thermodynamic stability) indicates that this missense variant is not expected to disrupt MSH6 protein function with a negative predictive value of 95%. In summary, the available evidence is currently insufficient to determine the role of this variant in disease. Therefore, it has been classified as a Variant of Uncertain Significance.

Ambry Genetics
Classification: Uncertain significance for Hereditary cancer-predisposing syndrome. Last evaluated: 2025-02-27. Review status: criteria provided, single submitter. Criteria: Ambry Variant Classification Scheme 2023. Collection method: clinical testing. Allele origin: germline.
Comment: The p.Q4R variant (also known as c.11A>G), located in coding exon 1 of the MSH6 gene, results from an A to G substitution at nucleotide position 11. The glutamine at codon 4 is replaced by arginine, an amino acid with highly similar properties. This amino acid position is conserved. In addition, the in silico prediction for this alteration is inconclusive. Based on the available evidence, the clinical significance of this variant remains unclear.

Color Diagnostics, LLC DBA Color Health
Classification: Uncertain significance for Hereditary cancer-predisposing syndrome. Last evaluated: 2024-04-15. Review status: criteria provided, single submitter. Criteria: ACMG Guidelines, 2015. Collection method: clinical testing. Allele origin: germline.
Comment: This missense variant replaces glutamine with arginine at codon 4 of the MSH6 protein. Computational prediction suggests that this variant may not impact protein structure and function (internally defined REVEL score threshold <= 0.5, PMID: 27666373). To our knowledge, functional studies have not been reported for this variant. This variant has not been reported in individuals affected with MSH6-related disorders in the literature. This variant has not been identified in the general population by the Genome Aggregation Database (gnomAD). The available evidence is insufficient to determine the role of this variant in disease conclusively. Therefore, this variant is classified as a Variant of Uncertain Significance.